The following is an entry in ClinVar:

ClinVar aggregate classification (germline): Uncertain significance (1 of 4 stars; one submission).

Conditions:
Prieto syndrome. Also called: MENTAL RETARDATION, X-LINKED, SYNDROMIC 2. Identifiers: Orphanet 2958, MedGen C1839730, MONDO:0010667, OMIM 309610.

Submission:

Dasa
Classification: Uncertain significance for Prieto syndrome. Last evaluated: 2025-11-07. Review status: criteria provided, single submitter. Criteria: DASA Assertion Criteria. Collection method: clinical testing. Allele origin: germline.
Comment: NM_020922.5(WNK3):c.22C>T (p.Pro8Ser) is a missense variant that results in the substitution of proline with serine. This variant is rare in population databases. The currently available literature and clinical evidence are not sufficient to establish a definitive association between this variant and the reported condition. Therefore, this variant is classified as a variant of uncertain significance.

NM_020922.5(WNK3):c.22C>T (p.Pro8Ser)

Gene: WNK3 (WNK lysine deficient protein kinase 3; minus strand). Cytogenetic location: Xp11.22.
Variant type: single nucleotide variant.
Coding change: c.22C>T on transcript NM_020922.5 (MANE Select); coding-DNA position 22, C replaced by T.
Protein change: p.Pro8Ser; replaces proline 8 with serine.
Molecular consequence: missense variant.
Genome position (GRCh38, 1-based): chrX:54,333,652, G>A on the plus strand (C>T on the coding strand, the complement: WNK3 is on the minus strand). VCF-style: chrX-54333652-G-A. GRCh37 (hg19) VCF-style: chrX-54360085-G-A.
Other names: c.22C>T, p.Pro8Ser (NM_001002838.4, NM_001395166.1); short protein forms P8S.
Identifiers: ClinVar variation 4882388 (VCV004882388.2).
Genomic context (GRCh38, chrX:54,333,652, plus strand): 5'-GGGGAACTCTGTTTTCAAATGAAATTCCATCAGGTTTCTCAGAATCTTCTGTGCTGGCTG[G>A]ATCCCCTGAATCAGTGGCCATTGTAATTAAAGTTGGCACTAAAATTTTTCCTGTTTCTAC-3'
Protein context (NP_065973.2, residues 1-18): MATDSGD[Pro8Ser]ASTEDSEKPD